The following is an entry in ClinVar:

NM_030665.4(RAI1):c.873A>G (p.Gln291=)

Gene: RAI1 (retinoic acid induced 1; plus strand). Cytogenetic location: 17p11.2.
Variant type: single nucleotide variant.
Coding change: c.873A>G on transcript NM_030665.4 (MANE Select); coding-DNA position 873, A replaced by G.
Protein change: p.Gln291=; no amino-acid change (glutamine 291 retained).
Molecular consequence: synonymous variant.
Genome position (GRCh38, 1-based): chr17:17,793,821, A>G. VCF-style: chr17-17793821-A-G. GRCh37 (hg19) VCF-style: chr17-17697135-A-G.
Other names: c.873A>G (NM_030665.3).
Identifiers: ClinVar variation 1547538 (VCV001547538.9), dbSNP rs147070109, ClinGen allele CA8418226.
Genomic context (GRCh38, chr17:17,793,821, plus strand): 5'-GGGCCGCCTCAGCTATGACCAGCAGCAGCAGCAGCAGCAGCAGCAGCAGCAGCAGCAGCA[A>G]GCCCTTCAGAGCCGGCACCATGCCCAGGAAACCCTCCATTACCAAAACCTCGCCAAGTAT-3'
Protein context (NP_109590.3, residues 281-301): QQQQQQQQQQ[Gln291=]ALQSRHHAQE

ClinVar aggregate classification (germline): Likely benign. Review status: criteria provided, multiple submitters, no conflicts (2 of 4 stars). 2 submissions from 2 submitters: Likely benign (2). Last evaluated 2025-08-06.

Conditions:
RAI1-related disorder. Also called: RAI1-related condition.

Allele frequency attached by ClinVar (database versions not stated): gnomAD exomes below 0.00001; TOPMed below 0.00001; ExAC 0.00001.
gnomAD v4.1: 2 of 1,606,184 alleles (0.00012%); highest among the groups gnomAD compares: Non-Finnish European, 0.00017%; no homozygotes.

Submissions (2):

PreventionGenetics, part of Exact Sciences
Classification: Likely benign for RAI1-related condition. Last evaluated: 2025-08-06. Review status: criteria provided, single submitter. Criteria: ACMG Guidelines, 2015. Collection method: clinical testing. Allele origin: germline.
Comment: This variant is classified as likely benign based on ACMG/AMP sequence variant interpretation guidelines (Richards et al. 2015 PMID: 25741868, with internal and published modifications).

Labcorp Genetics (formerly Invitae), Labcorp
Classification: Likely benign. Last evaluated: 2021-04-03. Review status: criteria provided, single submitter. Criteria: Invitae Variant Classification Sherloc (09022015). Collection method: clinical testing. Allele origin: germline.